The following is an entry in ClinVar:

NM_001943.5(DSG2):c.2002-10G>T

Genes: DSG2-AS1 (DSG2 antisense RNA 1; minus strand), DSG2 (desmoglein 2; plus strand). Cytogenetic location: 18q12.1.
Variant type: single nucleotide variant.
Coding change: c.2002-10G>T on transcript NM_001943.5 (MANE Select); 10 bases into the intron before coding-DNA position 2002, G replaced by T.
Molecular consequence: intron variant.
Genome position (GRCh38, 1-based): chr18:31,542,510, G>T. VCF-style: chr18-31542510-G-T. GRCh37 (hg19) VCF-style: chr18-29122473-G-T.
Identifiers: ClinVar variation 3386593 (VCV003386593.1).

ClinVar aggregate classification (germline): Likely benign (1 of 4 stars; one submission).

Conditions:
Arrhythmogenic right ventricular cardiomyopathy (ARVD). Also called: Arrhythmogenic right ventricular dysplasia; Cardiomyopathy, ARVC; Arrhythmogenic cardiomyopathy; Arrhythmogenic Right Ventricular Cardiomyopathy (ARVC). Identifiers: Orphanet 247, MedGen C0349788, MeSH D019571, MONDO:0016587. Disease mechanism: loss of function. Inheritance: Various modes of inheritance.

Submission:

All of Us Research Program, National Institutes of Health
Classification: Likely benign for Arrhythmogenic right ventricular cardiomyopathy. Last evaluated: 2024-05-30. Review status: criteria provided, single submitter. Criteria: ACMG Guidelines, 2015. Collection method: clinical testing. Allele origin: germline. Inheritance: Autosomal dominant inheritance. Observed: 1 variant allele, 1 heterozygote.
Comment: This study involves interpretation of variants in research participants for the purpose of population health screening. Participant phenotype was not available at the time of variant classification. Additional details can be found in publication PMID: 35346344, PMCID: PMC8962531